The following is an entry in ClinVar:

NM_000254.3(MTR):c.3439C>T (p.Arg1147Ter)

Gene: MTR (5-methyltetrahydrofolate-homocysteine methyltransferase; plus strand). Cytogenetic location: 1q43.
Variant type: single nucleotide variant.
Coding change: c.3439C>T on transcript NM_000254.3 (MANE Select); coding-DNA position 3439, C replaced by T.
Protein change: p.Arg1147Ter; replaces arginine 1147 with a stop codon.
Molecular consequence: nonsense.
Genome position (GRCh38, 1-based): chr1:236,895,391, C>T. VCF-style: chr1-236895391-C-T. GRCh37 (hg19) VCF-style: chr1-237058691-C-T.
Other names: c.3286C>T, p.Arg1096Ter (NM_001291939.1); c.2218C>T, p.Arg740Ter (NM_001291940.2); short protein forms R1096*, R1147*, R740*.
Identifiers: ClinVar variation 650018 (VCV000650018.8), dbSNP rs201718371, ClinGen allele CA1474706.
Genomic context (GRCh38, chr1:236,895,391, plus strand): 5'-AGCATGCCTGCTGCTTTGGGTCCCAAGGCCTTTGCAGAAGAGCTCCATGAAAGAGTTCGC[C>T]GAGAACTGTGGGCCTACTGTGGCAGTGAGCAGCTGGACGTCGCAGACCTGCGCAGGCTGC-3'

ClinVar aggregate classification (germline): Pathogenic. Review status: criteria provided, multiple submitters, no conflicts (2 of 4 stars). 2 submissions from 2 submitters: Pathogenic (2). Last evaluated 2025-09-16.

Conditions:
Methylcobalamin deficiency type cblG (HMAG). Also called: HOMOCYSTINURIA-MEGALOBLASTIC ANEMIA, cblG COMPLEMENTATION TYPE; HOMOCYSTINURIA-MEGALOBLASTIC ANEMIA, cblG TYPE; Functional methionine synthase deficiency type cblG; HOMOCYSTINURIA-MEGALOBLASTIC ANEMIA DUE TO DEFECT IN COBALAMIN METABOLISM, cblG COMPLEMENTATION TYPE. Identifiers: Orphanet 2170, Orphanet 622, MedGen C1855128, MONDO:0009609, OMIM 250940.

Allele frequency attached by ClinVar (database versions not stated): gnomAD exomes below 0.00001; gnomAD 0.00001 and 0.00002; TOPMed 0.00001; ExAC 0.00002; 1000 Genomes Project 30x 0.00016; 1000 Genomes Project 0.00020.
gnomAD v4.1: 14 of 1,604,320 alleles (0.00087%); highest among the groups gnomAD compares: African/African-American, 0.0013%; no homozygotes.

Submissions (2):

Women's Health and Genetics/Laboratory Corporation of America, LabCorp
Classification: Pathogenic for Methylcobalamin deficiency type cblG. Last evaluated: 2025-09-16. Review status: criteria provided, single submitter. Criteria: LabCorp Variant Classification Summary - May 2015. Collection method: clinical testing. Allele origin: germline.
Comment: Variant summary: MTR c.3439C>T (p.Arg1147X) results in a premature termination codon, predicted to cause absence of the protein due to nonsense mediated decay, which is a commonly known mechanism for disease. The variant allele was found at a frequency of 4.3e-06 in 234096 control chromosomes (gnomAD). To our knowledge, no occurrence of c.3439C>T in individuals affected with MTR-related conditions and no experimental evidence demonstrating its impact on protein function have been reported. ClinVar contains an entry for this variant (Variation ID: 650018). Based on the evidence outlined above, the variant was classified as pathogenic.

Labcorp Genetics (formerly Invitae), Labcorp
Classification: Pathogenic for Methylcobalamin deficiency type cblG. Last evaluated: 2023-11-30. Review status: criteria provided, single submitter. Criteria: Invitae Variant Classification Sherloc (09022015). Collection method: clinical testing. Allele origin: germline.
Comment: This sequence change creates a premature translational stop signal (p.Arg1147*) in the MTR gene. It is expected to result in an absent or disrupted protein product. Loss-of-function variants in MTR are known to be pathogenic (PMID: 9683607, 12068375). The frequency data for this variant in the population databases is considered unreliable, as metrics indicate poor data quality at this position in the gnomAD database. This variant has not been reported in the literature in individuals affected with MTR-related conditions. ClinVar contains an entry for this variant (Variation ID: 650018). For these reasons, this variant has been classified as Pathogenic.

Literature cited by the submitters: PubMed 9683607 (cited by Labcorp Genetics (formerly Invitae), Labcorp); PubMed 12068375 (cited by Labcorp Genetics (formerly Invitae), Labcorp).